The following is an entry in ClinVar:

NM_006623.4(PHGDH):c.743C>T (p.Ala248Val)

Gene: PHGDH (phosphoglycerate dehydrogenase; plus strand). Cytogenetic location: 1p12.
Variant type: single nucleotide variant.
Coding change: c.743C>T on transcript NM_006623.4 (MANE Select); coding-DNA position 743, C replaced by T.
Protein change: p.Ala248Val; replaces alanine 248 with valine.
Molecular consequence: missense variant.
Genome position (GRCh38, 1-based): chr1:119,735,394, C>T. VCF-style: chr1-119735394-C-T. GRCh37 (hg19) VCF-style: chr1-120278017-C-T.
Other names: short protein forms A248V.
Identifiers: ClinVar variation 729954 (VCV000729954.18), dbSNP rs201782441, ClinGen allele CA1037237.

ClinVar aggregate classification (germline): Conflicting classifications of pathogenicity. Review status: criteria provided, conflicting classifications (1 of 4 stars). 5 submissions from 5 submitters: Uncertain significance (2); Likely benign (2). 1 of the submissions does not count toward it. Last evaluated 2026-01-19.

Conditions:
Neu-Laxova syndrome 1 (NLS1). Identifiers: Orphanet 2671, Orphanet 583607, MedGen C4551478, MONDO:0009736, OMIM 256520. Disease mechanism: loss of function.
PHGDH deficiency. Identifiers: Orphanet 79351, MedGen C1866174, MONDO:0011152, OMIM 601815.

Allele frequency attached by ClinVar (database versions not stated): gnomAD 0.00013 and 0.00015; TOPMed 0.00027; 1000 Genomes Project 30x 0.00031; ExAC 0.00035; 1000 Genomes Project 0.00040.
gnomAD v4.1: 384 of 1,614,098 alleles (0.024%); highest among the groups gnomAD compares: East Asian, 0.41%; 2 homozygotes.

Submissions (5):

Labcorp Genetics (formerly Invitae), Labcorp
Classification: Likely benign for PHGDH deficiency. Last evaluated: 2026-01-19. Review status: criteria provided, single submitter. Criteria: Invitae Variant Classification Sherloc (09022015). Collection method: clinical testing. Allele origin: germline.

GeneDx
Classification: Uncertain significance. Last evaluated: 2024-12-15. Review status: criteria provided, single submitter. Criteria: GeneDx Variant Classification Process June 2021. Collection method: clinical testing. Allele origin: germline. Affected: yes.
Comment: Reported previously as a likely pathogenic variant in a patient with West syndrome who also harbored a second variant (phase unknown) (PMID: 34055682); Reported previously as a maternally inherited heterozygous variant in a patient with CAKUT; however, no second variant was identified (PMID: 35711925); In silico analysis supports that this missense variant has a deleterious effect on protein structure/function; This variant is associated with the following publications: (PMID: 34055682, 35711925)

Intergen Genetics and Rare Diseases Diagnosis Center
Classification: Uncertain significance for Neu-Laxova syndrome 1. Last evaluated: 2023-09-05. Review status: criteria provided, single submitter. Criteria: ACMG Guidelines, 2015. Collection method: clinical testing. Allele origin: unknown. Inheritance: Autosomal recessive inheritance. Observed: 1 heterozygote.

Illumina Laboratory Services, Illumina
Classification: Likely benign for PHGDH deficiency. Last evaluated: 2018-01-13. Review status: criteria provided, single submitter. Criteria: ICSL Variant Classification Criteria 13 December 2019. Collection method: clinical testing. Allele origin: germline.
Comment: This variant was observed in the ICSL laboratory as part of a predisposition screen in an ostensibly healthy population. It had not been previously curated by ICSL or reported in the Human Gene Mutation Database (HGMD: prior to June 1st, 2018), and was therefore a candidate for classification through an automated scoring system. Utilizing variant allele frequency, disease prevalence and penetrance estimates, and inheritance mode, an automated score was calculated to assess if this variant is too frequent to cause the disease. Based on the score and internal cut-off values, a variant classified as likely benign is not then subjected to further curation. The score for this variant resulted in a classification of likely benign for this disease.

Natera, Inc.
Classification: Likely benign for Phosphoglycerate dehydrogenase deficiency. Last evaluated: 2020-01-07. Review status: no assertion criteria provided. Collection method: clinical testing. Allele origin: germline. Not counted in ClinVar's aggregate classification.